The following is an entry in ClinVar:

NM_182931.3(KMT2E):c.3201G>C (p.Trp1067Cys)

Gene: KMT2E (lysine methyltransferase 2E (inactive); plus strand). Cytogenetic location: 7q22.3.
Variant type: single nucleotide variant.
Coding change: c.3201G>C on transcript NM_182931.3 (MANE Select); coding-DNA position 3201, G replaced by C.
Protein change: p.Trp1067Cys; replaces tryptophan 1067 with cysteine.
Molecular consequence: missense variant.
Genome position (GRCh38, 1-based): chr7:105,107,658, G>C. VCF-style: chr7-105107658-G-C. GRCh37 (hg19) VCF-style: chr7-104748105-G-C.
Other names: c.3201G>C, p.Trp1067Cys (NM_001410908.1, NM_018682.4); short protein forms W1067C.
Identifiers: ClinVar variation 4813531 (VCV004813531.1).

ClinVar aggregate classification (germline): Uncertain significance (1 of 4 stars; one submission).

Conditions:
O'Donnell-Luria-Rodan syndrome (ODLURO). Also called: KMT2E-Related Neurodevelopmental Disorder. Identifiers: MedGen C5193138, MONDO:0032793, OMIM 618512.

Submission:

Mendelics
Classification: Uncertain significance for O'Donnell-Luria-Rodan syndrome. Last evaluated: 2026-03-05. Review status: criteria provided, single submitter. Criteria: ACMG Guidelines, 2015. Collection method: clinical testing. Allele origin: unknown.
Comment: The available evidence is insufficient to conclusively determine the role of this variant. Therefore, it is classified as a Variant of Uncertain Significance.